The following is an entry in ClinVar:

ClinVar aggregate classification (germline): other (0 of 4 stars; one submission).

Conditions:
Familial colorectal cancer. Identifiers: MedGen CN280943, MONDO:0023113. Disease mechanism: loss of function.

gnomAD v4.1: 1 of 1,554,178 alleles (0.000064%); highest among the groups gnomAD compares: South Asian, 0.0011%; no homozygotes.

Submission:

Systems Biology Platform Zhejiang California International NanoSystems Institute
Classification: other for Familial colorectal cancer. Review status: no assertion criteria provided. Collection method: not provided. Allele origin: unknown.
ClinVar note: Converted during submission from cancer to other.

NM_000038.6(APC):c.-18-56C>A

Gene: APC (APC regulator of WNT signaling pathway; plus strand). Cytogenetic location: 5q22.2.
Variant type: single nucleotide variant.
Coding change: c.-18-56C>A on transcript NM_000038.6 (MANE Select); 56 bases into the intron before 18 bases upstream of the start codon, C replaced by A.
Molecular consequence: intron variant.
Genome position (GRCh38, 1-based): chr5:112,754,817, C>A. VCF-style: chr5-112754817-C-A. GRCh37 (hg19) VCF-style: chr5-112090514-C-A.
Other names: c.-18-56C>A (NM_001354895.2, NM_001127510.3, NM_001354896.2 and 2 more transcripts); c.166-11509C>A (NM_001354897.2, NM_001354902.2, NM_001127511.3); c.61-11509C>A (NM_001354898.2, NM_001354904.2); c.-1053-56C>A (NM_001354906.2); c.-42-11509C>A (NM_001354900.2, NM_001354901.2, NM_001354905.2).
Identifiers: ClinVar variation 82820 (VCV000082820.2), dbSNP rs79234413, ClinGen allele CA006164.